The following is an entry in ClinVar:

ClinVar aggregate classification (germline): Conflicting classifications of pathogenicity. Review status: criteria provided, conflicting classifications (1 of 4 stars). 5 submissions from 5 submitters: Uncertain significance (4); Likely benign (1). Last evaluated 2026-01-28.

Conditions:
LAMA2-related disorder. Also called: LAMA2-related condition; LAMA2-related disorders.
LAMA2-related muscular dystrophy (LAMA2-RD). Also called: Laminin alpha 2-related dystrophy. Identifiers: MedGen C5679788, MONDO:0100228.

Allele frequency attached by ClinVar (database versions not stated): TOPMed 0.00009; ESP Exome Variant Server 0.00016.
gnomAD v4.1: 176 of 1,555,746 alleles (0.011%); highest among the groups gnomAD compares: Middle Eastern, 0.017%; no homozygotes.

Submissions (5):

Labcorp Genetics (formerly Invitae), Labcorp
Classification: Likely benign for LAMA2-related muscular dystrophy. Last evaluated: 2026-01-28. Review status: criteria provided, single submitter. Criteria: Invitae Variant Classification Sherloc (09022015). Collection method: clinical testing. Allele origin: germline.

PreventionGenetics, part of Exact Sciences
Classification: Uncertain significance for LAMA2-related condition. Last evaluated: 2025-01-22. Review status: criteria provided, single submitter. Criteria: ACMG Guidelines, 2015. Collection method: clinical testing. Allele origin: germline.
Comment: The LAMA2 c.13G>A variant is predicted to result in the amino acid substitution p.Ala5Thr. To our knowledge, this variant has not been reported in the literature. This variant is reported in 0.026% of alleles in individuals of European (Non-Finnish) descent in gnomAD. At this time, the clinical significance of this variant is uncertain due to the absence of conclusive functional and genetic evidence.

Blueprint Genetics
Classification: Uncertain significance. Last evaluated: 2024-08-16. Review status: criteria provided, single submitter. Criteria: ACMG Guidelines, 2015. Collection method: clinical testing. Allele origin: germline.

Revvity Omics, Revvity
Classification: Uncertain significance. Last evaluated: 2019-02-18. Review status: criteria provided, single submitter. Criteria: ACMG Guidelines, 2015. Collection method: clinical testing. Allele origin: germline.

Eurofins Ntd Llc (ga)
Classification: Uncertain significance. Last evaluated: 2014-07-18. Review status: criteria provided, single submitter. Criteria: EGL Classification Definitions 2015. Collection method: clinical testing. Allele origin: germline. Observed: 1 variant allele, 1 heterozygote.

NM_000426.4(LAMA2):c.13G>A (p.Ala5Thr)

Gene: LAMA2 (laminin subunit alpha 2; plus strand). Cytogenetic location: 6q22.33.
Variant type: single nucleotide variant.
Coding change: c.13G>A on transcript NM_000426.4 (MANE Select); coding-DNA position 13, G replaced by A.
Protein change: p.Ala5Thr; replaces alanine 5 with threonine.
Molecular consequence: missense variant.
Genome position (GRCh38, 1-based): chr6:128,883,258, G>A. VCF-style: chr6-128883258-G-A. GRCh37 (hg19) VCF-style: chr6-129204403-G-A.
Other names: c.13G>A, p.Ala5Thr (NM_001079823.2); short protein forms A5T.
Identifiers: ClinVar variation 193095 (VCV000193095.16), dbSNP rs367622987, ClinGen allele CA238603.